The following is an entry in ClinVar:

NM_139343.3(BIN1):c.51C>G (p.Asn17Lys)

Gene: BIN1 (bridging integrator 1; minus strand). Cytogenetic location: 2q14.3.
Variant type: single nucleotide variant.
Coding change: c.51C>G on transcript NM_139343.3 (MANE Select); coding-DNA position 51, C replaced by G.
Protein change: p.Asn17Lys; replaces asparagine 17 with lysine.
Molecular consequence: missense variant.
Genome position (GRCh38, 1-based): chr2:127,106,893, G>C on the plus strand (C>G on the coding strand, the complement: BIN1 is on the minus strand). VCF-style: chr2-127106893-G-C. GRCh37 (hg19) VCF-style: chr2-127864469-G-C.
Other names: c.51C>G, p.Asn17Lys (NM_139345.3, NM_139346.3, NM_139347.3 and 10 more transcripts); short protein forms N17K.
Identifiers: ClinVar variation 1381008 (VCV001381008.6), dbSNP rs2105378914, ClinGen allele CA348376190.

ClinVar aggregate classification (germline): Uncertain significance (1 of 4 stars; one submission).

Conditions:
Myopathy, centronuclear, 2 (CNM2). Also called: MYOTUBULAR MYOPATHY, AUTOSOMAL RECESSIVE. Identifiers: Orphanet 169186, MedGen CN031787, MONDO:0009709, OMIM 255200.

Submission:

Labcorp Genetics (formerly Invitae), Labcorp
Classification: Uncertain significance for Myopathy, centronuclear, 2. Last evaluated: 2022-03-18. Review status: criteria provided, single submitter. Criteria: Invitae Variant Classification Sherloc (09022015). Collection method: clinical testing. Allele origin: germline.
Comment: This sequence change replaces asparagine, which is neutral and polar, with lysine, which is basic and polar, at codon 17 of the BIN1 protein (p.Asn17Lys). This variant is not present in population databases (gnomAD no frequency). This variant has not been reported in the literature in individuals affected with BIN1-related conditions. Algorithms developed to predict the effect of missense changes on protein structure and function are either unavailable or do not agree on the potential impact of this missense change (SIFT: "Tolerated"; PolyPhen-2: "Possibly Damaging"; Align-GVGD: "Class C0"). In summary, the available evidence is currently insufficient to determine the role of this variant in disease. Therefore, it has been classified as a Variant of Uncertain Significance.